The following is an entry in ClinVar:

ClinVar aggregate classification (germline): Uncertain significance (1 of 4 stars; one submission).

Allele frequency attached by ClinVar (database versions not stated): gnomAD exomes below 0.00001; ExAC 0.00001.
gnomAD v4.1: 1 of 1,613,090 alleles (0.000062%); highest among the groups gnomAD compares: East Asian, 0.0022%; no homozygotes.

Submission:

Labcorp Genetics (formerly Invitae), Labcorp
Classification: Uncertain significance. Last evaluated: 2026-01-12. Review status: criteria provided, single submitter. Criteria: Invitae Variant Classification Sherloc (09022015). Collection method: clinical testing. Allele origin: germline.
Comment: This sequence change replaces histidine, which is basic and polar, with arginine, which is basic and polar, at codon 71 of the IL6ST protein (p.His71Arg). This variant is present in population databases (rs759900904, gnomAD 0.006%). This variant has not been reported in the literature in individuals affected with IL6ST-related conditions. ClinVar contains an entry for this variant (Variation ID: 2986533). An algorithm developed to predict the effect of missense changes on protein structure and function outputs the following: PolyPhen-2: "Benign". The arginine amino acid residue is found in multiple mammalian species, which suggests that this missense change does not adversely affect protein function. In summary, the available evidence is currently insufficient to determine the role of this variant in disease. Therefore, it has been classified as a Variant of Uncertain Significance.

NM_002184.4(IL6ST):c.212A>G (p.His71Arg)

Gene: IL6ST (interleukin 6 cytokine family signal transducer; minus strand). Cytogenetic location: 5q11.2.
Variant type: single nucleotide variant.
Coding change: c.212A>G on transcript NM_002184.4 (MANE Select); coding-DNA position 212, A replaced by G.
Protein change: p.His71Arg; replaces histidine 71 with arginine.
Molecular consequence: missense variant. On other transcripts: 5 prime UTR variant (3), non-coding transcript variant (2), intron variant (1).
Genome position (GRCh38, 1-based): chr5:55,969,708, T>C on the plus strand (A>G on the coding strand, the complement: IL6ST is on the minus strand). VCF-style: chr5-55969708-T-C. GRCh37 (hg19) VCF-style: chr5-55265536-T-C.
Other names: c.212A>G, p.His71Arg (NM_001190981.2, NM_001364275.2, NM_175767.3); c.-581A>G (NM_001364277.2, NM_001364279.2); c.-571A>G (NM_001364278.2); c.160+52A>G (NM_001364276.2); short protein forms H71R.
Identifiers: ClinVar variation 2986533 (VCV002986533.3), dbSNP rs759900904, ClinGen allele CA3271749.
Genomic context (GRCh38, chr5:55,969,708, plus strand): 5'-AAGGTGACACTGGATGCTGTTCTGTTTATGATAGTATATTGCTCCTTAGGAATAGTAAAA[T>C]GGTTTGTTTTCCAGACAATGTAATTAGCATTTACATGAAAATAATCCATACATTTTTCCT-3'
Protein context (NP_002175.2, residues 61-81): NANYIVWKTN[His71Arg]FTIPKEQYTI